The following is an entry in ClinVar:

NM_000263.4(NAGLU):c.1337A>G (p.Glu446Gly)

Gene: NAGLU (N-acetyl-alpha-glucosaminidase; plus strand). Cytogenetic location: 17q21.2.
Variant type: single nucleotide variant.
Coding change: c.1337A>G on transcript NM_000263.4 (MANE Select); coding-DNA position 1337, A replaced by G.
Protein change: p.Glu446Gly; replaces glutamic acid 446 with glycine.
Molecular consequence: missense variant.
Genome position (GRCh38, 1-based): chr17:42,543,343, A>G. VCF-style: chr17-42543343-A-G. GRCh37 (hg19) VCF-style: chr17-40695361-A-G.
Other names: short protein forms E446G.
Identifiers: ClinVar variation 2921327 (VCV002921327.3), dbSNP rs2510659337, ClinGen allele CA399601933.
Genomic context (GRCh38, chr17:42,543,343, plus strand): 5'-GCCCAGAAGCTGCCCGCCTCTTCCCCAACTCCACCATGGTAGGCACGGGCATGGCCCCCG[A>G]GGGCATCAGCCAGAACGAAGTGGTCTATTCCCTCATGGCTGAGCTGGGCTGGCGAAAGGA-3'
Protein context (NP_000254.2, residues 436-456): STMVGTGMAP[Glu446Gly]GISQNEVVYS

ClinVar aggregate classification (germline): Pathogenic (1 of 4 stars; one submission).

Conditions:
Charcot-Marie-Tooth disease axonal type 2V. Also called: CHARCOT-MARIE-TOOTH NEUROPATHY, TYPE 2V; CHARCOT-MARIE-TOOTH DISEASE, AXONAL, AUTOSOMAL DOMINANT, TYPE 2V. Identifiers: Orphanet 447964, MedGen C5569050, MONDO:0014665, OMIM 616491.
Mucopolysaccharidosis, MPS-III-B (MPS3B). Also called: N-ACETYL-ALPHA-D-GLUCOSAMINIDASE DEFICIENCY; NAGLU DEFICIENCY; SANFILIPPO SYNDROME B; MPS III B; Mucopolysaccharidosis type IIIB (Sanfilippo B); MUCOPOLYSACCHARIDOSIS, TYPE IIIB. Identifiers: Orphanet 79270, MedGen C0086648, MONDO:0009656, OMIM 252920.

Submission:

Labcorp Genetics (formerly Invitae), Labcorp
Classification: Pathogenic for Charcot-Marie-Tooth disease axonal type 2V; Mucopolysaccharidosis, MPS-III-B. Last evaluated: 2023-12-12. Review status: criteria provided, single submitter. Criteria: Invitae Variant Classification Sherloc (09022015). Collection method: clinical testing. Allele origin: germline.
Comment: This sequence change replaces glutamic acid, which is acidic and polar, with glycine, which is neutral and non-polar, at codon 446 of the NAGLU protein (p.Glu446Gly). This variant is not present in population databases (gnomAD no frequency). This missense change has been observed in individual(s) with clinical features of mucopolysaccharidosis type IIIB (Invitae). In at least one individual the data is consistent with being in trans (on the opposite chromosome) from a pathogenic variant. Advanced modeling of protein sequence and biophysical properties (such as structural, functional, and spatial information, amino acid conservation, physicochemical variation, residue mobility, and thermodynamic stability) performed at Invitae indicates that this missense variant is expected to disrupt NAGLU protein function with a positive predictive value of 95%. This variant disrupts the p.Glu446 amino acid residue in NAGLU. Other variant(s) that disrupt this residue have been determined to be pathogenic (Invitae). This suggests that this residue is clinically significant, and that variants that disrupt this residue are likely to be disease-causing. For these reasons, this variant has been classified as Pathogenic.